The following is an entry in ClinVar:

ClinVar aggregate classification (germline): Uncertain significance (1 of 4 stars; one submission).

Conditions:
GRIN2D-related disorder. Also called: GRIN2D-related condition.

Submission:

PreventionGenetics, part of Exact Sciences
Classification: Uncertain significance for GRIN2D-related condition. Last evaluated: 2026-01-02. Review status: criteria provided, single submitter. Criteria: ACMG Guidelines, 2015. Collection method: clinical testing. Allele origin: germline.
Comment: The GRIN2D c.1941G>A variant is not predicted to result in an amino acid change (p.=). This variant is predicted to alter splicing based on available splicing prediction programs (SpliceAI, Jaganathan et al. 2019. PubMed ID: 30661751). However, the use of computer prediction programs is not equivalent to functional evidence. To our knowledge, this variant has not been reported in the literature or in a large population database (gnomAD), indicating this variant is rare. At this time, the clinical significance of this variant is uncertain due to the absence of conclusive functional and genetic evidence.

NM_000836.4(GRIN2D):c.1941G>A (p.Val647=)

Genes: GRIN2D (glutamate ionotropic receptor NMDA type subunit 2D; plus strand), LOC130064857 (ATAC-STARR-seq lymphoblastoid active region 14894; plus strand). Cytogenetic location: 19q13.33.
Variant type: single nucleotide variant.
Coding change: c.1941G>A on transcript NM_000836.4 (MANE Select); coding-DNA position 1941, G replaced by A.
Protein change: p.Val647=; no amino-acid change (valine 647 retained).
Molecular consequence: synonymous variant.
Genome position (GRCh38, 1-based): chr19:48,419,664, G>A. VCF-style: chr19-48419664-G-A. GRCh37 (hg19) VCF-style: chr19-48922921-G-A.
Identifiers: ClinVar variation 4996813 (VCV004996813.1).